The following is an entry in ClinVar:

ClinVar aggregate classification (germline): Uncertain significance. Review status: criteria provided, multiple submitters, no conflicts (2 of 4 stars). 3 submissions from 3 submitters: Uncertain significance (3). Last evaluated 2024-05-21.

Conditions:
Hereditary cancer-predisposing syndrome. Also called: Tumor predisposition; Hereditary Cancer Syndrome; Neoplastic Syndromes, Hereditary; Hereditary neoplastic syndrome. Identifiers: Orphanet 140162, MedGen C0027672, MeSH D009386, MONDO:0015356.
Hereditary nonpolyposis colorectal neoplasms. Identifiers: MedGen C0009405, MeSH D003123.
Endometrial carcinoma. Also called: Endometrial carcinoma, somatic. Identifiers: MedGen C0476089, MONDO:0002447, OMIM 608089, HP:0012114.

Allele frequency attached by ClinVar (database versions not stated): TOPMed below 0.00001; gnomAD 0.00001.
gnomAD v4.1: 1 of 1,613,896 alleles (0.000062%); highest among the groups gnomAD compares: Non-Finnish European, 0.000085%; no homozygotes.

Submissions (3):

Labcorp Genetics (formerly Invitae), Labcorp
Classification: Uncertain significance for Hereditary nonpolyposis colorectal neoplasms. Last evaluated: 2024-05-21. Review status: criteria provided, single submitter. Criteria: Invitae Variant Classification Sherloc (09022015). Collection method: clinical testing. Allele origin: germline.
Comment: This sequence change replaces serine, which is neutral and polar, with proline, which is neutral and non-polar, at codon 315 of the MSH6 protein (p.Ser315Pro). This variant is not present in population databases (gnomAD no frequency). This variant has not been reported in the literature in individuals affected with MSH6-related conditions. ClinVar contains an entry for this variant (Variation ID: 823256). Advanced modeling of protein sequence and biophysical properties (such as structural, functional, and spatial information, amino acid conservation, physicochemical variation, residue mobility, and thermodynamic stability) performed at Invitae indicates that this missense variant is not expected to disrupt MSH6 protein function with a negative predictive value of 95%. In summary, the available evidence is currently insufficient to determine the role of this variant in disease. Therefore, it has been classified as a Variant of Uncertain Significance.

Baylor Genetics
Classification: Uncertain significance for Endometrial carcinoma. Last evaluated: 2023-10-05. Review status: criteria provided, single submitter. Criteria: ACMG Guidelines, 2015. Collection method: clinical testing. Allele origin: unknown.

Ambry Genetics
Classification: Uncertain significance for Hereditary cancer-predisposing syndrome. Last evaluated: 2019-12-13. Review status: criteria provided, single submitter. Criteria: Ambry Variant Classification Scheme 2023. Collection method: clinical testing. Allele origin: germline.
Comment: The p.S315P variant (also known as c.943T>C), located in coding exon 4 of the MSH6 gene, results from a T to C substitution at nucleotide position 943. The serine at codon 315 is replaced by proline, an amino acid with similar properties. This amino acid position is not well conserved in available vertebrate species. In addition, this alteration is predicted to be tolerated by in silico analysis. Since supporting evidence is limited at this time, the clinical significance of this alteration remains unclear.

NM_000179.3(MSH6):c.943T>C (p.Ser315Pro)

Gene: MSH6 (mutS homolog 6; plus strand). Cytogenetic location: 2p16.3.
Variant type: single nucleotide variant.
Coding change: c.943T>C on transcript NM_000179.3 (MANE Select); coding-DNA position 943, T replaced by C.
Protein change: p.Ser315Pro; replaces serine 315 with proline.
Molecular consequence: missense variant.
Genome position (GRCh38, 1-based): chr2:47,798,926, T>C. VCF-style: chr2-47798926-T-C. GRCh37 (hg19) VCF-style: chr2-48026065-T-C.
Other names: c.553T>C, p.Ser185Pro (NM_001281492.2); c.37T>C, p.Ser13Pro (NM_001281493.2, NM_001281494.2); short protein forms S13P, S315P, S185P.
Identifiers: ClinVar variation 823256 (VCV000823256.15), dbSNP rs1167164970, ClinGen allele CA346740783.
Genomic context (GRCh38, chr2:47,798,926, plus strand): 5'-AAAGTTGCTCGAAAGCGGAAGAGAATGGTGACTGGAAATGGCTCTCTTAAAAGGAAAAGC[T>C]CTAGGAAGGAAACGCCCTCAGCCACCAAACAAGCAACTAGCATTTCATCAGAAACCAAGA-3'
Protein context (NP_000170.1, residues 305-325): TGNGSLKRKS[Ser315Pro]RKETPSATKQ